The following is an entry in ClinVar:

ClinVar aggregate classification (germline): Uncertain significance (1 of 4 stars; one submission).

Allele frequency attached by ClinVar (database versions not stated): gnomAD exomes below 0.00001.
gnomAD v4.1: 2 of 1,613,694 alleles (0.00012%); highest among the groups gnomAD compares: Non-Finnish European, 0.000085%; no homozygotes.

Submission:

ARUP Laboratories, Molecular Genetics and Genomics, ARUP Laboratories
Classification: Uncertain significance. Last evaluated: 2019-12-20. Review status: criteria provided, single submitter. Criteria: ARUP Molecular Germline Variant Investigation Process. Collection method: clinical testing. Allele origin: germline.
Comment: The SERPINH1 c.658G>A; p.Asp220Asn variant, to our knowledge, is not reported in the medical literature or gene specific databases. This variant is also absent from general population databases (Exome Variant Server, Genome Aggregation Database), indicating it is not a common polymorphism. The aspartic acid at codon 220 is highly conserved, and computational analyses (SIFT: tolerated, PolyPhen-2: probably damaging) predict conflicting effects of this variant on protein structure/function. Due to limited information, the clinical significance of the p.Asp220Asn variant is uncertain at this time.

NM_001235.5(SERPINH1):c.658G>A (p.Asp220Asn)

Gene: SERPINH1 (serpin family H member 1; plus strand). Cytogenetic location: 11q13.5.
Variant type: single nucleotide variant.
Coding change: c.658G>A on transcript NM_001235.5 (MANE Select); coding-DNA position 658, G replaced by A.
Protein change: p.Asp220Asn; replaces aspartic acid 220 with asparagine.
Molecular consequence: missense variant.
Genome position (GRCh38, 1-based): chr11:75,568,766, G>A. VCF-style: chr11-75568766-G-A. GRCh37 (hg19) VCF-style: chr11-75279811-G-A.
Other names: c.658G>A, p.Asp220Asn (NM_001207014.3); short protein forms D220N.
Identifiers: ClinVar variation 993854 (VCV000993854.8), dbSNP rs1942139677, ClinGen allele CA381891170.